The following is an entry in ClinVar:

Conditions:
Long QT syndrome 5 (LQT5). Identifiers: Orphanet 101016, Orphanet 768, MedGen C1867904, MONDO:0013372, OMIM 613695.

Submission:

Roden Lab, Vanderbilt University Medical Center
No classification provided (evidence only). Condition: Long QT syndrome 5. Review status: no classification provided. Collection method: in vitro. Allele origin: not applicable. Functional consequence: Effect on ion channel function.
ClinVar note: "not provided" was previously submitted as the classification for the variant. However, the classification appeared to be based only on an observation of functional data so it was converted to no classification on 2025-07-30.

NM_000219.6(KCNE1):c.228C>A (p.Asp76Glu)

Gene: KCNE1 (potassium voltage-gated channel subfamily E regulatory subunit 1; minus strand). Cytogenetic location: 21q22.12.
Variant type: single nucleotide variant.
Coding change: c.228C>A on transcript NM_000219.6 (MANE Select); coding-DNA position 228, C replaced by A.
Protein change: p.Asp76Glu; replaces aspartic acid 76 with glutamic acid.
Molecular consequence: missense variant.
Genome position (GRCh38, 1-based): chr21:34,449,407, G>T on the plus strand (C>A on the coding strand, the complement: KCNE1 is on the minus strand). VCF-style: chr21-34449407-G-T. GRCh37 (hg19) VCF-style: chr21-35821705-G-T.
Other names: c.228C>A, p.Asp76Glu (NM_001127668.4, NM_001127669.4, NM_001127670.4 and 4 more transcripts); short protein forms D76E.
Identifiers: ClinVar variation 3374377 (VCV003374377.2).